The following is an entry in ClinVar:

NM_001365999.1(SZT2):c.8989G>A (p.Ala2997Thr)

Gene: SZT2 (SZT2 subunit of KICSTOR complex; plus strand). Cytogenetic location: 1p34.2.
Variant type: single nucleotide variant.
Coding change: c.8989G>A on transcript NM_001365999.1 (MANE Select); coding-DNA position 8989, G replaced by A.
Protein change: p.Ala2997Thr; replaces alanine 2997 with threonine.
Molecular consequence: missense variant.
Genome position (GRCh38, 1-based): chr1:43,446,251, G>A. VCF-style: chr1-43446251-G-A. GRCh37 (hg19) VCF-style: chr1-43911922-G-A.
Other names: c.8818G>A, p.Ala2940Thr (NM_015284.4); short protein forms A2940T, A2997T.
Identifiers: ClinVar variation 1015413 (VCV001015413.6), dbSNP rs1250703199, ClinGen allele CA340041861.

ClinVar aggregate classification (germline): Uncertain significance (1 of 4 stars; one submission).

Allele frequency attached by ClinVar (database versions not stated): gnomAD exomes 0.00001; TOPMed 0.00002; gnomAD 0.00003.
gnomAD v4.1: 18 of 1,614,112 alleles (0.0011%); highest among the groups gnomAD compares: Non-Finnish European, 0.0015%; no homozygotes.

Submission:

Labcorp Genetics (formerly Invitae), Labcorp
Classification: Uncertain significance. Last evaluated: 2021-08-30. Review status: criteria provided, single submitter. Criteria: Invitae Variant Classification Sherloc (09022015). Collection method: clinical testing. Allele origin: germline.
Comment: This sequence change replaces alanine with threonine at codon 2940 of the SZT2 protein (p.Ala2940Thr). The alanine residue is moderately conserved and there is a small physicochemical difference between alanine and threonine. This variant is not present in population databases (ExAC no frequency). This variant has not been reported in the literature in individuals affected with SZT2-related conditions. Algorithms developed to predict the effect of missense changes on protein structure and function output the following: SIFT: "Tolerated"; PolyPhen-2: "Benign"; Align-GVGD: "Class C0". The threonine amino acid residue is found in multiple mammalian species, which suggests that this missense change does not adversely affect protein function. In summary, the available evidence is currently insufficient to determine the role of this variant in disease. Therefore, it has been classified as a Variant of Uncertain Significance.